The following is an entry in ClinVar:

ClinVar aggregate classification (germline): Uncertain significance (1 of 4 stars; one submission).

Conditions:
Mucolipidosis type IV (ML4). Also called: ML IV. Identifiers: Orphanet 578, MedGen C0238286, MONDO:0009653, OMIM 252650.

Allele frequency attached by ClinVar (database versions not stated): gnomAD exomes below 0.00001 and 0.00001; ExAC 0.00001; TOPMed 0.00003.
gnomAD v4.1: 12 of 1,613,426 alleles (0.00074%); highest among the groups gnomAD compares: Admixed American, 0.0067%; no homozygotes.

Submission:

Labcorp Genetics (formerly Invitae), Labcorp
Classification: Uncertain significance for Mucolipidosis type IV. Last evaluated: 2022-08-23. Review status: criteria provided, single submitter. Criteria: Invitae Variant Classification Sherloc (09022015). Collection method: clinical testing. Allele origin: germline.
Comment: This sequence change replaces glutamic acid, which is acidic and polar, with lysine, which is basic and polar, at codon 13 of the MCOLN1 protein (p.Glu13Lys). This variant is present in population databases (rs771709900, gnomAD 0.006%). This variant has not been reported in the literature in individuals affected with MCOLN1-related conditions. ClinVar contains an entry for this variant (Variation ID: 1410151). Algorithms developed to predict the effect of missense changes on protein structure and function (SIFT, PolyPhen-2, Align-GVGD) all suggest that this variant is likely to be tolerated. In summary, the available evidence is currently insufficient to determine the role of this variant in disease. Therefore, it has been classified as a Variant of Uncertain Significance.

NM_020533.3(MCOLN1):c.37G>A (p.Glu13Lys)

Gene: MCOLN1 (mucolipin TRP cation channel 1; plus strand). Cytogenetic location: 19p13.2.
Variant type: single nucleotide variant.
Coding change: c.37G>A on transcript NM_020533.3 (MANE Select); coding-DNA position 37, G replaced by A.
Protein change: p.Glu13Lys; replaces glutamic acid 13 with lysine.
Molecular consequence: missense variant.
Genome position (GRCh38, 1-based): chr19:7,524,966, G>A. VCF-style: chr19-7524966-G-A. GRCh37 (hg19) VCF-style: chr19-7589852-G-A.
Other names: short protein forms E13K.
Identifiers: ClinVar variation 1410151 (VCV001410151.3), dbSNP rs771709900, ClinGen allele CA9138583.